The following is an entry in ClinVar:

ClinVar aggregate classification (germline): Uncertain significance (1 of 4 stars; one submission).

Conditions:
Hereditary cancer-predisposing syndrome. Also called: Hereditary Cancer Syndrome; Hereditary neoplastic syndrome; Neoplastic Syndromes, Hereditary; Tumor predisposition. Identifiers: Orphanet 140162, MedGen C0027672, MeSH D009386, MONDO:0015356.

Submission:

Ambry Genetics
Classification: Uncertain significance for Hereditary cancer-predisposing syndrome. Last evaluated: 2022-07-15. Review status: criteria provided, single submitter. Criteria: Ambry Variant Classification Scheme 2023. Collection method: clinical testing. Allele origin: germline.
Comment: The p.P1412R variant (also known as c.4235C>G), located in coding exon 21 of the BLM gene, results from a C to G substitution at nucleotide position 4235. The proline at codon 1412 is replaced by arginine, an amino acid with dissimilar properties. This amino acid position is conserved. In addition, this alteration is predicted to be deleterious by in silico analysis. Since supporting evidence is limited at this time, the clinical significance of this alteration remains unclear.

NM_000057.4(BLM):c.4235C>G (p.Pro1412Arg)

Gene: BLM (BLM RecQ like helicase; plus strand). Cytogenetic location: 15q26.1.
Variant type: single nucleotide variant.
Coding change: c.4235C>G on transcript NM_000057.4 (MANE Select); coding-DNA position 4235, C replaced by G.
Protein change: p.Pro1412Arg; replaces proline 1412 with arginine.
Molecular consequence: missense variant.
Genome position (GRCh38, 1-based): chr15:90,815,260, C>G. VCF-style: chr15-90815260-C-G. GRCh37 (hg19) VCF-style: chr15-91358490-C-G.
Other names: c.4235C>G, p.Pro1412Arg (NM_001287246.2); c.3842C>G, p.Pro1281Arg (NM_001287247.2); c.3110C>G, p.Pro1037Arg (NM_001287248.2); short protein forms P1037R, P1281R, P1412R.
Identifiers: ClinVar variation 1738935 (VCV001738935.2), dbSNP rs2151202454, ClinGen allele CA393853286.